The following is an entry in ClinVar:

NM_001042681.2(RERE):c.2667AGC[2] (p.Ala892del)

Gene: RERE (arginine-glutamic acid dipeptide repeats; minus strand). Cytogenetic location: 1p36.23.
Variant type: Microsatellite.
Coding change: c.2667AGC[2] on transcript NM_001042681.2 (MANE Select); two copies in a row of the 3-base unit AGC starting at c.2667; the reference has three copies in a row; one copy, 3 bases deleted.
Protein change: p.Ala892del; deletes alanine 892.
Molecular consequence: inframe deletion.
Genome position (GRCh38, 1-based): chr1:8,360,832-8,360,834, GCT deleted on the plus strand (AGC on the coding strand, the reverse complement: RERE is on the minus strand); deleting any 3 consecutive bases within chr1:8,360,832-8,360,841 gives the same sequence; the position shown is the placement nearest the transcript's 3' end. VCF-style (leftmost placement, unchanged base first): chr1-8360831-CGCT-C. GRCh37 (hg19) VCF-style: chr1-8420891-CGCT-C.
Other names: c.1005AGC[2], p.Ala338del (NM_001042682.2); c.2667AGC[2], p.Ala892del (NM_012102.4); short protein forms A338del, A892del.
Identifiers: ClinVar variation 2503318 (VCV002503318.1), dbSNP rs2522716607, ClinGen allele CA2580611393.
Genomic context (GRCh38, chr1:8,360,831, plus strand): 5'-AGGCTGTTGGGACTGCAGCGCTGACTGAGAGGCTGGCAGCTGCAGGGAGGTGTGAGGGTA[CGCT>C]GCTGCTGGGGAGGTCCCCAGAGGGGCCTGGCCTTGGGAGGCCTGGGGAGGGAGGCCAAAG-3'

ClinVar aggregate classification (germline): Uncertain significance (1 of 4 stars; one submission).

Submission:

GeneDx
Classification: Uncertain significance. Last evaluated: 2022-11-25. Review status: criteria provided, single submitter. Criteria: GeneDx Variant Classification Process June 2021. Collection method: clinical testing. Allele origin: germline. Affected: yes.
Comment: Not observed at significant frequency in large population cohorts (gnomAD); In-frame deletion of 1 amino acids in a non-repeat region; In silico analysis supports a deleterious effect on protein structure/function; Has not been previously published as pathogenic or benign to our knowledge